The following is an entry in ClinVar:

NM_000466.3(PEX1):c.3439-13A>G

Genes: PEX1 (peroxisomal biogenesis factor 1; minus strand), GATAD1 (GATA zinc finger domain containing 1; plus strand). Cytogenetic location: 7q21.2.
Variant type: single nucleotide variant.
Coding change: c.3439-13A>G on transcript NM_000466.3 (MANE Select); 13 bases into the intron before coding-DNA position 3439, A replaced by G.
Molecular consequence: intron variant.
Genome position (GRCh38, 1-based): chr7:92,489,924, T>C on the plus strand (A>G on the coding strand, the complement: PEX1 is on the minus strand). VCF-style: chr7-92489924-T-C. GRCh37 (hg19) VCF-style: chr7-92119238-T-C.
Other names: c.3268-13A>G (NM_001282677.2); c.2815-13A>G (NM_001282678.2).
Identifiers: ClinVar variation 1481463 (VCV001481463.5), dbSNP rs756042510, ClinGen allele CA4340817.

ClinVar aggregate classification (germline): Uncertain significance (1 of 4 stars; one submission).

Conditions:
Zellweger spectrum disorders (ZS). Also called: Zellweger Spectrum Disorder; Zellweger Spectrum; Zellweger syndrome; Zellweger Spectrum Disorder (ZSD). Identifiers: Orphanet 912, MedGen C0043459, MONDO:0019609.

Allele frequency attached by ClinVar (database versions not stated): gnomAD 0.00001; gnomAD exomes 0.00002 and 0.00005; TOPMed 0.00002; ExAC 0.00007.
gnomAD v4.1: 22 of 1,501,298 alleles (0.0015%); highest among the groups gnomAD compares: Admixed American, 0.022%; no homozygotes.

Submission:

Labcorp Genetics (formerly Invitae), Labcorp
Classification: Uncertain significance for Zellweger spectrum disorders. Last evaluated: 2022-02-04. Review status: criteria provided, single submitter. Criteria: Invitae Variant Classification Sherloc (09022015). Collection method: clinical testing. Allele origin: germline.
Comment: This sequence change falls in intron 21 of the PEX1 gene. It does not directly change the encoded amino acid sequence of the PEX1 protein. This variant is present in population databases (rs756042510, gnomAD 0.03%). This variant has not been reported in the literature in individuals affected with PEX1-related conditions. Algorithms developed to predict the effect of sequence changes on RNA splicing suggest that this variant may create or strengthen a splice site. In summary, the available evidence is currently insufficient to determine the role of this variant in disease. Therefore, it has been classified as a Variant of Uncertain Significance.